The following is an entry in ClinVar:

NM_001367624.2(ZNF469):c.772A>G (p.Ile258Val)

Gene: ZNF469 (zinc finger protein 469; plus strand). Cytogenetic location: 16q24.2.
Variant type: single nucleotide variant.
Coding change: c.772A>G on transcript NM_001367624.2 (MANE Select); coding-DNA position 772, A replaced by G.
Protein change: p.Ile258Val; replaces isoleucine 258 with valine.
Molecular consequence: missense variant.
Genome position (GRCh38, 1-based): chr16:88,428,242, A>G. VCF-style: chr16-88428242-A-G. GRCh37 (hg19) VCF-style: chr16-88494650-A-G.
Other names: NM_001127464.1:c.772A>G; NM_001127464.2:c.772A>G; short protein forms I258V.
Identifiers: ClinVar variation 1760337 (VCV001760337.5), dbSNP rs558954436, ClinGen allele CA286372102.
Genomic context (GRCh38, chr16:88,428,242, plus strand): 5'-GCTGCTGAGAATAGCTTCCCAGGTGCTAATTTCGGGGTTCCCCCCGCCGAGCCGGAACCT[A>G]TTCCCAAAGGCAGCAGGCCCGGCGGCAGCCCCAGGGGAGTTTCCTTCCAGTTCCCCTTCC-3'
Protein context (NP_001354553.1, residues 248-268): FGVPPAEPEP[Ile258Val]PKGSRPGGSP

ClinVar aggregate classification (germline): Uncertain significance. Review status: criteria provided, multiple submitters, no conflicts (2 of 4 stars). 2 submissions from 2 submitters: Uncertain significance (2). Last evaluated 2025-03-20.

Conditions:
ZNF469-related disorder. Also called: ZNF469-related condition.
Cardiovascular phenotype. Identifiers: MedGen CN230736.

Allele frequency attached by ClinVar (database versions not stated): TOPMed below 0.00001; gnomAD 0.00001; 1000 Genomes Project 30x 0.00016; 1000 Genomes Project 0.00020.
gnomAD v4.1: 8 of 1,550,320 alleles (0.00052%); highest among the groups gnomAD compares: South Asian, 0.0095%; no homozygotes.

Submissions (2):

PreventionGenetics, part of Exact Sciences
Classification: Uncertain significance for ZNF469-related condition. Last evaluated: 2025-03-20. Review status: criteria provided, single submitter. Criteria: ACMG Guidelines, 2015. Collection method: clinical testing. Allele origin: germline.
Comment: The ZNF469 c.772A>G variant is predicted to result in the amino acid substitution p.Ile258Val. To our knowledge, this variant has not been reported in the literature. This variant is reported in 0.0088% of alleles in individuals of South Asian descent in gnomAD. At this time, the clinical significance of this variant is uncertain due to the absence of conclusive functional and genetic evidence.

Ambry Genetics
Classification: Uncertain significance for Cardiovascular phenotype. Last evaluated: 2024-11-10. Review status: criteria provided, single submitter. Criteria: Ambry Variant Classification Scheme 2023. Collection method: clinical testing. Allele origin: germline.
Comment: The p.I258V variant (also known as c.772A>G), located in coding exon 1 of the ZNF469 gene, results from an A to G substitution at nucleotide position 772. The isoleucine at codon 258 is replaced by valine, an amino acid with highly similar properties. This amino acid position is conserved. In addition, this alteration is predicted to be tolerated by in silico analysis. Since supporting evidence is limited at this time, the clinical significance of this alteration remains unclear.